The following is an entry in ClinVar:

NM_001134673.4(NFIA):c.1076-2A>G

Gene: NFIA (nuclear factor I A; plus strand). Cytogenetic location: 1p31.3.
Variant type: single nucleotide variant.
Coding change: c.1076-2A>G on transcript NM_001134673.4 (MANE Select); the canonical splice acceptor site of the intron before coding-DNA position 1076, A replaced by G.
Molecular consequence: splice acceptor variant.
Genome position (GRCh38, 1-based): chr1:61,404,102, A>G. VCF-style: chr1-61404102-A-G. GRCh37 (hg19) VCF-style: chr1-61869774-A-G.
Other names: c.1052-2A>G (NM_001145511.2); c.1211-2A>G (NM_001145512.2); c.1076-2A>G (NM_005595.5).
Identifiers: ClinVar variation 4531518 (VCV004531518.1).

ClinVar aggregate classification (germline): Likely pathogenic (1 of 4 stars; one submission).

Conditions:
Brain malformations with or without urinary tract defects. Also called: Brain malformations and urinary tract defects. Identifiers: MedGen C4478940, MONDO:0100478, OMIM 613735.

Submission:

Victorian Clinical Genetics Services, Murdoch Childrens Research Institute
Classification: Likely pathogenic for Brain malformations with or without urinary tract defects. Last evaluated: 2025-08-11. Review status: criteria provided, single submitter. Criteria: ACMG Guidelines, 2015. Collection method: clinical testing. Allele origin: germline. Affected: yes.
Comment: This variant is classified as Likely pathogenic. Evidence in support of pathogenic classification: Canonical splice site variant without proven consequence on splicing (no functional evidence available); Variant is absent from gnomAD (v2, v3 and v4); Other canonical splice site variants comparable to the one identified in this case have moderate previous evidence for pathogenicity. The c.1076-1G>A variant has been classified as pathogenic by a clinical laboratory in ClinVar. Additionally, the c.1052-1G>C variant (using an alternative transcript) has been reported in the literature as de novo in an individual with a learning disability and agenesis of the corpus collosum (PMID: 31130284); Abnormal splicing is predicted by in silico tool and affected nucleotide is highly conserved; Additional information: This variant is heterozygous; This gene is associated with autosomal dominant disease; This variant has no previous evidence of pathogenicity; No published evidence of segregation with disease has been identified for this variant; No published functional evidence has been identified for this variant; Loss of function is a known mechanism of disease in this gene and is associated with brain malformations with or without urinary tract defects (MIM#613735); Variants in this gene are known to have variable expressivity. Intra-familial and inter-familial variable expressivity is observed (PMID: 28941020).

Literature cited by the submitters: PubMed 31130284; PubMed 28941020.